The following is an entry in ClinVar:

NM_000548.5(TSC2):c.3059T>C (p.Leu1020Pro)

Gene: TSC2 (TSC complex subunit 2; plus strand). Cytogenetic location: 16p13.3.
Variant type: single nucleotide variant.
Coding change: c.3059T>C on transcript NM_000548.5 (MANE Select); coding-DNA position 3059, T replaced by C.
Protein change: p.Leu1020Pro; replaces leucine 1020 with proline.
Molecular consequence: missense variant.
Genome position (GRCh38, 1-based): chr16:2,079,124, T>C. VCF-style: chr16-2079124-T-C. GRCh37 (hg19) VCF-style: chr16-2129125-T-C.
Other names: c.2927T>C, p.Leu976Pro (NM_001077183.3, NM_001370404.1); c.3059T>C, p.Leu1020Pro (NM_001114382.3); c.2819T>C, p.Leu940Pro (NM_001318827.2); c.2783T>C, p.Leu928Pro (NM_001318829.2); c.2327T>C, p.Leu776Pro (NM_001318831.2); c.2960T>C, p.Leu987Pro (NM_001318832.2); c.2930T>C, p.Leu977Pro (NM_001363528.2, NM_001370405.1, NM_021055.3); short protein forms L776P, L976P, L928P, L940P, L977P, L1020P, L987P.
Identifiers: ClinVar variation 1043264 (VCV001043264.13), dbSNP rs2089798643, ClinGen allele CA394284404.
Genomic context (GRCh38, chr16:2,079,124, plus strand): 5'-TGGGGTCTGCAGATGAGAACTCCGTGGCCCAGGCTGACGATAGCCTGAAAAACCTCCACC[T>C]GGAGCTCACGGAAACCTGTCTGGACATGATGGCTCGATACGTCTTCTCCAACTTCACGGC-3'
Protein context (NP_000539.2, residues 1010-1030): QADDSLKNLH[Leu1020Pro]ELTETCLDMM

ClinVar aggregate classification (germline): Uncertain significance. Review status: criteria provided, multiple submitters, no conflicts (2 of 4 stars). 4 submissions from 4 submitters: Uncertain significance (4). Last evaluated 2024-05-12.

Conditions:
Hereditary cancer-predisposing syndrome. Also called: Hereditary neoplastic syndrome; Neoplastic Syndromes, Hereditary; Tumor predisposition; Hereditary Cancer Syndrome. Identifiers: Orphanet 140162, MedGen C0027672, MeSH D009386, MONDO:0015356.
Tuberous sclerosis 2 (TSC2). Identifiers: Orphanet 805, MedGen C1860707, MONDO:0013199, OMIM 613254.

Submissions (4):

Ambry Genetics
Classification: Uncertain significance for Hereditary cancer-predisposing syndrome. Last evaluated: 2024-05-12. Review status: criteria provided, single submitter. Criteria: Ambry Variant Classification Scheme 2023. Collection method: clinical testing. Allele origin: germline.
Comment: The p.L1020P variant (also known as c.3059T>C), located in coding exon 26 of the TSC2 gene, results from a T to C substitution at nucleotide position 3059. The leucine at codon 1020 is replaced by proline, an amino acid with similar properties. This amino acid position is conserved. In addition, this alteration is predicted to be deleterious by in silico analysis. Based on the available evidence, the clinical significance of this variant remains unclear.

Labcorp Genetics (formerly Invitae), Labcorp
Classification: Uncertain significance for Tuberous sclerosis 2. Last evaluated: 2022-08-23. Review status: criteria provided, single submitter. Criteria: Invitae Variant Classification Sherloc (09022015). Collection method: clinical testing. Allele origin: germline.
Comment: This variant is not present in population databases (gnomAD no frequency). In summary, the available evidence is currently insufficient to determine the role of this variant in disease. Therefore, it has been classified as a Variant of Uncertain Significance. Advanced modeling of protein sequence and biophysical properties (such as structural, functional, and spatial information, amino acid conservation, physicochemical variation, residue mobility, and thermodynamic stability) performed at Invitae indicates that this missense variant is not expected to disrupt TSC2 protein function. ClinVar contains an entry for this variant (Variation ID: 1043264). This variant has not been reported in the literature in individuals affected with TSC2-related conditions. This sequence change replaces leucine, which is neutral and non-polar, with proline, which is neutral and non-polar, at codon 1020 of the TSC2 protein (p.Leu1020Pro).

Genome-Nilou Lab
Classification: Uncertain significance for Tuberous sclerosis 2. Last evaluated: 2021-11-07. Review status: criteria provided, single submitter. Criteria: ACMG Guidelines, 2015. Collection method: clinical testing. Allele origin: germline. Affected: no.

GeneDx
Classification: Uncertain significance. Last evaluated: 2020-08-05. Review status: criteria provided, single submitter. Criteria: GeneDx Variant Classification Process June 2021. Collection method: clinical testing. Allele origin: germline. Affected: yes.
Comment: Not observed in large population cohorts (Lek et al., 2016); In silico analysis supports that this missense variant has a deleterious effect on protein structure/function; Has not been previously published as pathogenic or benign to our knowledge